The following is an entry in ClinVar:

ClinVar aggregate classification (germline): Benign/Likely benign. Review status: criteria provided, multiple submitters, no conflicts (2 of 4 stars). 20 submissions from 20 submitters: Benign (3); Likely benign (14). 3 of the submissions do not count toward it. Last evaluated 2026-02-02.

Conditions:
Breast-ovarian cancer, familial, susceptibility to, 5 (BROVCA5). Identifiers: MedGen C5830615, MONDO:0957530, OMIM 620442.
PALB2-related disorder. Also called: PALB2-related condition; PALB2-related disorders.
Breast and/or ovarian cancer. Identifiers: MedGen CN221562.
Hereditary cancer-predisposing syndrome. Also called: Tumor predisposition; Neoplastic Syndromes, Hereditary; Hereditary Cancer Syndrome; Hereditary neoplastic syndrome. Identifiers: Orphanet 140162, MedGen C0027672, MeSH D009386, MONDO:0015356.
Familial cancer of breast. Also called: hereditary breast carcinoma; BREAST CANCER, FAMILIAL; Hereditary breast cancer. Identifiers: Orphanet 227535, MedGen C0346153, MONDO:0016419, OMIM 114480. Disease mechanism: loss of function.
Malignant tumor of breast. Also called: Malignant breast neoplasm; Cancer breast. Identifiers: MedGen C0006142, MONDO:0007254. Disease mechanism: loss of function.

Allele frequency attached by ClinVar (database versions not stated): TOPMed 0.00005; gnomAD 0.00006 and 0.00007; gnomAD exomes 0.00008 and 0.00014; ExAC 0.00015; 1000 Genomes Project 30x 0.00016.
gnomAD v4.1: 131 of 1,614,002 alleles (0.0081%); highest among the groups gnomAD compares: South Asian, 0.053%; 1 homozygote.

Submissions (20):

Labcorp Genetics (formerly Invitae), Labcorp
Classification: Likely benign for Familial cancer of breast. Last evaluated: 2026-02-02. Review status: criteria provided, single submitter. Criteria: Invitae Variant Classification Sherloc (09022015). Collection method: clinical testing. Allele origin: germline.

Institute for Biomarker Research, Medical Diagnostic Laboratories, L.L.C.
Classification: Likely benign for Hereditary cancer-predisposing syndrome. Last evaluated: 2025-06-30. Review status: criteria provided, single submitter. Criteria: ACMG Guidelines, 2015. Collection method: clinical testing. Allele origin: germline.
Comment: The synonymous variant NM_024675.4(PALB2):c.768C>T (p.Ser256=) has been reported to ClinVar as Benign/Likely benign with a status of (2 stars) criteria provided, multiple submitters, no conflicts (Variation ID 184338 as of 2025-06-05). The p.Ser256= variant is observed in 10/18,392 (0.0544%) alleles from individuals of gnomAD East Asian background in gnomAD, which is greater than expected for the disorder. The p.Ser256= variant is not predicted to disrupt an existing splice site. The p.Ser256= variant results in a substitution of a base that is not predicted conserved by GERP++ and PhyloP. For these reasons, this variant has been classified as Likely Benign.

Center for Genomic Medicine, Rigshospitalet, Copenhagen University Hospital
Classification: Likely benign. Last evaluated: 2025-03-04. Review status: criteria provided, single submitter. Criteria: ACMG Guidelines, 2015. Collection method: clinical testing. Allele origin: germline.

KCCC/NGS Laboratory, Kuwait Cancer Control Center
Classification: Benign for Breast-ovarian cancer, familial, susceptibility to, 5. Last evaluated: 2025-02-01. Review status: criteria provided, single submitter. Criteria: ACMG Guidelines, 2015. Collection method: clinical testing. Allele origin: germline. Affected: no.

Blueprint Genetics
Classification: Likely benign. Last evaluated: 2024-07-16. Review status: criteria provided, single submitter. Criteria: ACMG Guidelines, 2015. Collection method: clinical testing. Allele origin: germline.

Women's Health and Genetics/Laboratory Corporation of America, LabCorp
Classification: Likely benign. Last evaluated: 2024-03-28. Review status: criteria provided, single submitter. Criteria: LabCorp Variant Classification Summary - May 2015. Collection method: clinical testing. Allele origin: germline.

CeGaT Center for Human Genetics Tuebingen
Classification: Likely benign. Last evaluated: 2023-06-01. Review status: criteria provided, single submitter. Criteria: CeGaT Center For Human Genetics Tuebingen Variant Classification Criteria Version 2. Collection method: clinical testing. Allele origin: germline. Affected: yes. Observed: 2 variant alleles.
Comment: PALB2: BP4, BP7

Myriad Genetics, Inc.
Classification: Benign for Familial cancer of breast. Last evaluated: 2023-03-30. Review status: criteria provided, single submitter. Criteria: Myriad Autosomal Dominant, Autosomal Recessive and X-Linked Classification Criteria (2023). Collection method: clinical testing. Allele origin: unknown.
Comment: This variant is considered benign. This variant is a silent/synonymous amino acid change and it is not expected to impact splicing.

CHEO Genetics Diagnostic Laboratory, Children's Hospital of Eastern Ontario
Classification: Likely benign for Breast and/or ovarian cancer. Last evaluated: 2023-03-09. Review status: criteria provided, single submitter. Criteria: ACMG Guidelines, 2015. Collection method: clinical testing. Allele origin: germline.

Quest Diagnostics Nichols Institute San Juan Capistrano
Classification: Likely benign. Last evaluated: 2022-04-30. Review status: criteria provided, single submitter. Criteria: Quest Diagnostics criteria. Collection method: clinical testing. Allele origin: unknown.

Sema4
Classification: Likely benign for Hereditary cancer-predisposing syndrome. Last evaluated: 2021-09-16. Review status: criteria provided, single submitter. Criteria: Sema4 Curation Guidelines. Collection method: curation. Allele origin: germline.

Genetic Services Laboratory, University of Chicago
Classification: Likely benign. Last evaluated: 2019-12-16. Review status: criteria provided, single submitter. Criteria: ACMG Guidelines, 2015. Collection method: clinical testing. Allele origin: germline. Affected: no.

Mendelics
Classification: Likely benign for Familial cancer of breast. Last evaluated: 2019-05-28. Review status: criteria provided, single submitter. Criteria: Mendelics Assertion Criteria 2017. Collection method: clinical testing. Allele origin: unknown.

Color Diagnostics, LLC DBA Color Health
Classification: Likely benign for Hereditary cancer-predisposing syndrome. Last evaluated: 2015-06-09. Review status: criteria provided, single submitter. Criteria: ACMG Guidelines, 2015. Collection method: clinical testing. Allele origin: germline.

Cancer Genetics Laboratory, Peter MacCallum Cancer Centre
Classification: Likely benign for Familial cancer of breast. Last evaluated: 2015-06-01. Review status: criteria provided, single submitter. Criteria: Thompson et al. (Breast Cancer Res. 2015). Collection method: case-control. Allele origin: germline. Affected: yes. Observed: 1 variant allele, 1 heterozygote.

Ambry Genetics
Classification: Likely benign for Hereditary cancer-predisposing syndrome. Last evaluated: 2015-03-10. Review status: criteria provided, single submitter. Criteria: Ambry Variant Classification Scheme 2023. Collection method: clinical testing. Allele origin: germline.

GeneDx
Classification: Benign. Last evaluated: 2015-03-03. Review status: criteria provided, single submitter. Criteria: GeneDx Variant Classification Process June 2021. Collection method: clinical testing. Allele origin: germline. Affected: yes.

PreventionGenetics, part of Exact Sciences
Classification: Likely benign for PALB2-related condition. Last evaluated: 2019-10-09. Review status: no assertion criteria provided. Collection method: clinical testing. Allele origin: germline. Not counted in ClinVar's aggregate classification.
Comment: This variant is classified as likely benign based on ACMG/AMP sequence variant interpretation guidelines (Richards et al. 2015 PMID: 25741868, with internal and published modifications).

Counsyl
Classification: Likely benign for Familial cancer of breast. Last evaluated: 2018-01-08. Review status: no assertion criteria provided. Collection method: clinical testing. Allele origin: unknown. Not counted in ClinVar's aggregate classification.

Department of Pathology and Laboratory Medicine, Sinai Health System
Classification: Likely benign for Malignant tumor of breast. Review status: no assertion criteria provided. Collection method: clinical testing. Allele origin: unknown. Affected: yes. Observed: 1 variant allele. Study: The Canadian Open Genetics Repository (COGR). Not counted in ClinVar's aggregate classification.
Comment: The PALB2 p.Ser256= variant was identified in 1 of 5838 proband chromosomes (frequency: 0.00017) from individuals or families with hereditary breast cancer and was present in 1 of 2168 control chromosomes (frequency: 0.00046) from healthy individuals (Rahman_2007, Thompson_2015). The variant was also identified in dbSNP (ID: rs45487491) as â€šÃ„ÃºWith Likely benign alleleâ€šÃ„Ã¹, ClinVar (as likely benign by Ambry Genetics, Invitae, Cancer Genetics Laboratory, Peter MacCallum Cancer Centre, Quest Diagnostics, Color Genomics, and Integrated Genetics), Clinvitae (as in ClinVar), and Cosmic (in endometrioid carcinoma). The variant was not identified in MutDB, LOVD 3.0, or Zhejiang Colon Cancer Database. The variant was identified in control databases in 38 of 277166 chromosomes at a frequency of 0.000137 (Genome Aggregation Database Feb 27, 2017). It was observed in the following populations: African in 4 of 24030 chromosomes (freq: 0.000167), Other in 1 of 6464 chromosomes (freq: 0.000155), Latino in 1 of 34420 chromosomes (freq: 0.000029), European (Non-Finnish) in 7 of 126666 chromosomes (freq: 0.000055), East Asian in 13 of 18868 chromosomes (freq: 0.000689), and South Asian in 12 of 30780 chromosomes (freq: 0.00039); it was not observed in the Ashkenazi Jewish, or European (Finnish) populations. The p.Ser256= variant is not expected to have clinical significance because it does not result in a change of amino acid and is not located in a known consensus splice site. In addition, in silico or computational prediction software programs (SpliceSiteFinder, MaxEntScan, NNSPLICE, GeneSplicer, HumanSpliceFinder) do not predict a difference in splicing. In summary, based on the above information the clinical significance of this variant cannot be determined with certainty at this time although we would lean towards a more benign role for this variant. This variant is classified as likely benign.

Literature cited by the submitters: PubMed 17200668 (cited by Women's Health and Genetics/Laboratory Corporation of America, LabCorp and Counsyl); PubMed 26283626 (cited by 3 submitters); PubMed 30309218 (cited by Quest Diagnostics Nichols Institute San Juan Capistrano); PubMed 30344923 (cited by Quest Diagnostics Nichols Institute San Juan Capistrano).

NM_024675.4(PALB2):c.768C>T (p.Ser256=)

Gene: PALB2 (partner and localizer of BRCA2; minus strand). Cytogenetic location: 16p12.2.
Variant type: single nucleotide variant.
Coding change: c.768C>T on transcript NM_024675.4 (MANE Select); coding-DNA position 768, C replaced by T.
Protein change: p.Ser256=; no amino-acid change (serine 256 retained).
Molecular consequence: synonymous variant.
Genome position (GRCh38, 1-based): chr16:23,635,778, G>A on the plus strand (C>T on the coding strand, the complement: PALB2 is on the minus strand). VCF-style: chr16-23635778-G-A. GRCh37 (hg19) VCF-style: chr16-23647099-G-A.
Identifiers: ClinVar variation 184338 (VCV000184338.63), dbSNP rs45487491, ClinGen allele CA188656.